The following is an entry in ClinVar:

ClinVar aggregate classification (germline): Uncertain significance. Review status: criteria provided, multiple submitters, no conflicts (2 of 4 stars). 2 submissions from 2 submitters: Uncertain significance (2). Last evaluated 2023-11-28.

Conditions:
Mitochondrial complex II deficiency, nuclear type 1. Also called: SUCCINATE CoQ REDUCTASE DEFICIENCY. Identifiers: Orphanet 3208, MedGen C5700310, MONDO:0100294, OMIM 252011.
Pheochromocytoma/paraganglioma syndrome 5. Also called: Paragangliomas 5; SDHA-Related Hereditary Paraganglioma-Pheochromocytoma Syndrome. Identifiers: Orphanet 29072, MedGen C3279992, MONDO:0013602, OMIM 614165.
Hereditary cancer-predisposing syndrome. Also called: Hereditary Cancer Syndrome; Neoplastic Syndromes, Hereditary; Tumor predisposition; Hereditary neoplastic syndrome. Identifiers: Orphanet 140162, MedGen C0027672, MeSH D009386, MONDO:0015356.

Allele frequency attached by ClinVar (database versions not stated): gnomAD exomes below 0.00001.
gnomAD v4.1: 3 of 1,613,984 alleles (0.00019%); highest among the groups gnomAD compares: Non-Finnish European, 0.00025%; no homozygotes.

Submissions (2):

Ambry Genetics
Classification: Uncertain significance for Hereditary cancer-predisposing syndrome. Last evaluated: 2023-11-28. Review status: criteria provided, single submitter. Criteria: Ambry Variant Classification Scheme 2023. Collection method: clinical testing. Allele origin: germline.
Comment: The p.A593V variant (also known as c.1778C>T), located in coding exon 13 of the SDHA gene, results from a C to T substitution at nucleotide position 1778. The alanine at codon 593 is replaced by valine, an amino acid with similar properties. This amino acid position is highly conserved in available vertebrate species. In addition, this alteration is predicted to be deleterious by in silico analysis. Since supporting evidence is limited at this time, the clinical significance of this alteration remains unclear.

Labcorp Genetics (formerly Invitae), Labcorp
Classification: Uncertain significance for Pheochromocytoma/paraganglioma syndrome 5; Mitochondrial complex II deficiency, nuclear type 1. Last evaluated: 2022-10-10. Review status: criteria provided, single submitter. Criteria: Invitae Variant Classification Sherloc (09022015). Collection method: clinical testing. Allele origin: germline.
Comment: Advanced modeling of protein sequence and biophysical properties (such as structural, functional, and spatial information, amino acid conservation, physicochemical variation, residue mobility, and thermodynamic stability) has been performed at Invitae for this missense variant, however the output from this modeling did not meet the statistical confidence thresholds required to predict the impact of this variant on SDHA protein function. ClinVar contains an entry for this variant (Variation ID: 964889). This variant has not been reported in the literature in individuals affected with SDHA-related conditions. This variant is not present in population databases (gnomAD no frequency). This sequence change replaces alanine, which is neutral and non-polar, with valine, which is neutral and non-polar, at codon 593 of the SDHA protein (p.Ala593Val). In summary, the available evidence is currently insufficient to determine the role of this variant in disease. Therefore, it has been classified as a Variant of Uncertain Significance.

NM_004168.4(SDHA):c.1778C>T (p.Ala593Val)

Gene: SDHA (succinate dehydrogenase complex flavoprotein subunit A; plus strand). Cytogenetic location: 5p15.33.
Variant type: single nucleotide variant.
Coding change: c.1778C>T on transcript NM_004168.4 (MANE Select); coding-DNA position 1778, C replaced by T.
Protein change: p.Ala593Val; replaces alanine 593 with valine.
Molecular consequence: missense variant. On other transcripts: intron variant (1).
Genome position (GRCh38, 1-based): chr5:251,452, C>T. VCF-style: chr5-251452-C-T. GRCh37 (hg19) VCF-style: chr5-251567-C-T.
Other names: c.1778C>T (NM_004168.2); c.1634C>T, p.Ala545Val (NM_001294332.2); c.1552-2941C>T (NM_001330758.2); short protein forms A545V, A593V.
Identifiers: ClinVar variation 964889 (VCV000964889.11), dbSNP rs1736827451, ClinGen allele CA359000405.